The following is an entry in ClinVar:

NM_016222.4(DDX41):c.724T>C (p.Phe242Leu)

Gene: DDX41 (DEAD-box helicase 41; minus strand). Cytogenetic location: 5q35.3.
Variant type: single nucleotide variant.
Coding change: c.724T>C on transcript NM_016222.4 (MANE Select); coding-DNA position 724, T replaced by C.
Protein change: p.Phe242Leu; replaces phenylalanine 242 with leucine.
Molecular consequence: missense variant.
Genome position (GRCh38, 1-based): chr5:177,514,990, A>G on the plus strand (T>C on the coding strand, the complement: DDX41 is on the minus strand). VCF-style: chr5-177514990-A-G. GRCh37 (hg19) VCF-style: chr5-176941991-A-G.
Other names: c.346T>C, p.Phe116Leu (NM_001321732.2, NM_001321830.2); short protein forms F116L, F242L.
Identifiers: ClinVar variation 4010280 (VCV004010280.1).

ClinVar aggregate classification (germline): Uncertain significance (1 of 4 stars; one submission).

Conditions:
Inborn genetic diseases. Identifiers: MedGen C0950123, MeSH D030342.

Submission:

Ambry Genetics
Classification: Uncertain significance for Inborn genetic diseases. Last evaluated: 2025-03-20. Review status: criteria provided, single submitter. Criteria: Ambry Variant Classification Scheme 2023. Collection method: clinical testing. Allele origin: germline.
Comment: The p.F242L variant (also known as c.724T>C), located in coding exon 8 of the DDX41 gene, results from a T to C substitution at nucleotide position 724. The phenylalanine at codon 242 is replaced by leucine, an amino acid with highly similar properties. This amino acid position is conserved. In addition, the in silico prediction for this alteration is inconclusive. Based on the available evidence, the clinical significance of this variant remains unclear.